The following is an entry in ClinVar:

ClinVar aggregate classification (germline): Likely benign. Review status: criteria provided, multiple submitters, no conflicts (2 of 4 stars). 2 submissions from 2 submitters: Likely benign (2). Last evaluated 2023-12-01.

Conditions:
Inborn genetic diseases. Identifiers: MedGen C0950123, MeSH D030342.

Allele frequency attached by ClinVar (database versions not stated): gnomAD exomes below 0.00001; TOPMed below 0.00001; gnomAD 0.00001.
gnomAD v4.1: 9 of 1,614,056 alleles (0.00056%); highest among the groups gnomAD compares: East Asian, 0.011%; no homozygotes.

Submissions (2):

CeGaT Center for Human Genetics Tuebingen
Classification: Likely benign. Last evaluated: 2023-12-01. Review status: criteria provided, single submitter. Criteria: CeGaT Center For Human Genetics Tuebingen Variant Classification Criteria Version 2. Collection method: clinical testing. Allele origin: germline. Affected: yes. Observed: 1 variant allele.
Comment: ASXL3: BP4

Ambry Genetics
Classification: Likely benign for Inborn genetic diseases. Last evaluated: 2023-05-17. Review status: criteria provided, single submitter. Criteria: Ambry Variant Classification Scheme 2023. Collection method: clinical testing. Allele origin: germline.

NM_030632.3(ASXL3):c.5009C>G (p.Ser1670Cys)

Gene: ASXL3 (ASXL transcriptional regulator 3; plus strand). Cytogenetic location: 18q12.1.
Variant type: single nucleotide variant.
Coding change: c.5009C>G on transcript NM_030632.3 (MANE Select); coding-DNA position 5009, C replaced by G.
Protein change: p.Ser1670Cys; replaces serine 1670 with cysteine.
Molecular consequence: missense variant.
Genome position (GRCh38, 1-based): chr18:33,744,857, C>G. VCF-style: chr18-33744857-C-G. GRCh37 (hg19) VCF-style: chr18-31324821-C-G.
Other names: short protein forms S1670C.
Identifiers: ClinVar variation 2517933 (VCV002517933.24), dbSNP rs574051171, ClinGen allele CA297793952.
Genomic context (GRCh38, chr18:33,744,857, plus strand): 5'-TGAACGTGTCAGAACTTCATCCCAGGAATCTTGTAACAAATGTTGCTCTTCCTGTGAAAT[C>G]TGAACTTCACGAAGCAGACAAGGGCTTTAGAATGGACACTGAAGACTTCCCTGGCCCTGA-3'
Protein context (NP_085135.1, residues 1660-1680): LVTNVALPVK[Ser1670Cys]ELHEADKGFR